The following is an entry in ClinVar:

NM_000038.6(APC):c.4306del (p.Ser1436fs)

Gene: APC (APC regulator of Wnt signaling pathway; plus strand). Cytogenetic location: 5q22.2.
Variant type: Deletion.
Coding change: c.4306del on transcript NM_000038.6 (MANE Select); coding-DNA position 4306, one base deleted (A; older notation c.4306delA).
Protein change: p.Ser1436fs; shifts the reading frame from serine 1436.
Molecular consequence: frameshift variant.
Genome position (GRCh38, 1-based): chr5:112,839,900, A deleted; the last of 2 consecutive A bases (chr5:112,839,899-112,839,900); deleting either gives the same sequence. VCF-style (leftmost placement, unchanged base first): chr5-112839898-GA-G. GRCh37 (hg19) VCF-style: chr5-112175595-GA-G.
Other names: c.4306del, p.Ser1436fs (NM_001127510.3, NM_001354895.2); c.4252del, p.Ser1418fs (NM_001127511.3); c.4360del, p.Ser1454fs (NM_001354896.2); c.4336del, p.Ser1446fs (NM_001354897.2); c.4231del, p.Ser1411fs (NM_001354898.2); c.4222del, p.Ser1408fs (NM_001354899.2); c.4183del, p.Ser1395fs (NM_001354900.2); c.4129del, p.Ser1377fs (NM_001354901.2); and 5 more; short protein forms S1276fs, S1377fs, S1436fs, S1446fs, S1335fs, S1418fs, S1153fs, S1310fs.
Identifiers: ClinVar variation 647858 (VCV000647858.10), dbSNP rs1580646270, ClinGen allele CA445964459.

ClinVar aggregate classification (germline): Pathogenic (1 of 4 stars; one submission).

Conditions:
Familial adenomatous polyposis 1 (FAP1). Also called: FAMILIAL ADENOMATOUS POLYPOSIS 1, ATTENUATED; POLYPOSIS, ADENOMATOUS INTESTINAL. Identifiers: MedGen C2713442, MONDO:0021056, OMIM 175100. Disease mechanism: loss of function.

Submission:

Labcorp Genetics (formerly Invitae), Labcorp
Classification: Pathogenic for Familial adenomatous polyposis 1. Last evaluated: 2018-12-19. Review status: criteria provided, single submitter. Criteria: Invitae Variant Classification Sherloc (09022015). Collection method: clinical testing. Allele origin: germline.
Comment: For these reasons, this variant has been classified as Pathogenic. Other variant(s) that disrupt this region (p.Tyr2645Lysfs*14) have been determined to be pathogenic (PMID: 9824584, 1316610, 27081525, 8381579, 22135120, Invitae). This suggests that variants that disrupt this region of the protein are likely to be causative of disease. This variant is expected to disrupt the EB1 and HDLG binding sites, which mediate interactions with the cytoskeleton (PMID: 15311282, 17293347). While functional studies have not been performed to directly test the effect on APC protein function, this suggests that disruption of the C-terminal portion of the protein is functionally important. This variant has not been reported in the literature in individuals with APC-related conditions. This variant is not present in population databases (ExAC no frequency). This sequence change results in a premature translational stop signal in the APC gene (p.Ser1436Valfs*37). While this is not anticipated to result in nonsense mediated decay, it is expected to disrupt the last 1408 amino acids of the APC protein.

Literature cited by the submitters: PubMed 9824584; PubMed 1316610; PubMed 27081525; PubMed 8381579; PubMed 22135120; PubMed 15311282; PubMed 17293347.